The following is an entry in ClinVar:

NM_001365951.3(KIF1B):c.4025A>G (p.Lys1342Arg)

Gene: KIF1B (kinesin family member 1B; plus strand). Cytogenetic location: 1p36.22.
Variant type: single nucleotide variant.
Coding change: c.4025A>G on transcript NM_001365951.3 (MANE Select); coding-DNA position 4025, A replaced by G.
Protein change: p.Lys1342Arg; replaces lysine 1342 with arginine.
Molecular consequence: missense variant.
Genome position (GRCh38, 1-based): chr1:10,352,706, A>G. VCF-style: chr1-10352706-A-G. GRCh37 (hg19) VCF-style: chr1-10412764-A-G.
Other names: c.4025A>G, p.Lys1342Arg (NM_001365952.1); c.3887A>G, p.Lys1296Arg (NM_015074.3); short protein forms K1296R, K1342R.
Identifiers: ClinVar variation 3533937 (VCV003533937.1).

ClinVar aggregate classification (germline): Uncertain significance (1 of 4 stars; one submission).

Submission:

Ambry Genetics
Classification: Uncertain significance. Last evaluated: 2024-08-05. Review status: criteria provided, single submitter. Criteria: Ambry Variant Classification Scheme 2023. Collection method: clinical testing. Allele origin: germline.
Comment: The p.K1296R variant (also known as c.3887A>G), located in coding exon 35 of the KIF1B gene, results from an A to G substitution at nucleotide position 3887. The lysine at codon 1296 is replaced by arginine, an amino acid with highly similar properties. This amino acid position is highly conserved in available vertebrate species. In addition, the in silico prediction for this alteration is inconclusive. The evidence for this gene-disease relationship is limited; therefore, the clinical significance of this alteration is unclear.